The following is an entry in ClinVar:

NM_002017.5(FLI1):c.203G>T (p.Arg68Leu)

Gene: FLI1 (Fli-1 proto-oncogene, ETS transcription factor; plus strand). Cytogenetic location: 11q24.3.
Variant type: single nucleotide variant.
Coding change: c.203G>T on transcript NM_002017.5 (MANE Select); coding-DNA position 203, G replaced by T.
Protein change: p.Arg68Leu; replaces arginine 68 with leucine.
Molecular consequence: missense variant. On other transcripts: 5 prime UTR variant (2).
Genome position (GRCh38, 1-based): chr11:128,758,299, G>T. VCF-style: chr11-128758299-G-T. GRCh37 (hg19) VCF-style: chr11-128628194-G-T.
Other names: p.Arg68Leu; c.104G>T, p.Arg35Leu (NM_001167681.3); c.-167G>T (NM_001271010.2); c.-18G>T (NM_001271012.2); short protein forms R35L, R68L.
Identifiers: ClinVar variation 988011 (VCV000988011.9), dbSNP rs201118331, ClinGen allele CA6356954.

ClinVar aggregate classification (germline): Conflicting classifications of pathogenicity. Review status: criteria provided, conflicting classifications (1 of 4 stars). 6 submissions from 6 submitters: Uncertain significance (4); Likely benign (1). 1 of the submissions does not count toward it. Last evaluated 2026-02-01.

Conditions:
Bleeding disorder, platelet-type, 21 (BDPLT21). Identifiers: MedGen C4479515, MONDO:0054577, OMIM 617443.

Allele frequency attached by ClinVar (database versions not stated): ESP Exome Variant Server 0.00016; TOPMed 0.00035.
gnomAD v4.1: 501 of 1,613,254 alleles (0.031%); highest among the groups gnomAD compares: South Asian, 0.04%; no homozygotes.

Submissions (6):

Labcorp Genetics (formerly Invitae), Labcorp
Classification: Uncertain significance. Last evaluated: 2026-02-01. Review status: criteria provided, single submitter. Criteria: Invitae Variant Classification Sherloc (09022015). Collection method: clinical testing. Allele origin: germline.
Comment: This sequence change replaces arginine, which is basic and polar, with leucine, which is neutral and non-polar, at codon 68 of the FLI1 protein (p.Arg68Leu). This variant is present in population databases (rs201118331, gnomAD 0.05%), and has an allele count higher than expected for a pathogenic variant. This missense change has been observed in individual(s) with thrombocytopenia (PMID: 32987389). ClinVar contains an entry for this variant (Variation ID: 988011). Invitae Evidence Modeling of protein sequence and biophysical properties (such as structural, functional, and spatial information, amino acid conservation, physicochemical variation, residue mobility, and thermodynamic stability) indicates that this missense variant is not expected to disrupt FLI1 protein function with a negative predictive value of 80%. In summary, the available evidence is currently insufficient to determine the role of this variant in disease. Therefore, it has been classified as a Variant of Uncertain Significance.

Mayo Clinic Laboratories, Mayo Clinic
Classification: Likely benign. Last evaluated: 2025-07-28. Review status: criteria provided, single submitter. Criteria: ACMG Guidelines, 2015. Collection method: clinical testing. Allele origin: germline. Observed: 1 variant allele.
Comment: BS1, BS4_supporting, BP5

Blueprint Genetics
Classification: Uncertain significance. Last evaluated: 2024-11-04. Review status: criteria provided, single submitter. Criteria: ACMG Guidelines, 2015. Collection method: clinical testing. Allele origin: germline.

Johns Hopkins Genomics, Johns Hopkins University
Classification: Uncertain significance for Bleeding disorder, platelet-type, 21. Last evaluated: 2020-11-24. Review status: criteria provided, single submitter. Criteria: ACMG Guidelines, 2015. Collection method: clinical testing. Allele origin: germline.
Comment: FLI1 c.203G>T (rs201118331) is present in a large population dataset (gnomAD: 81/279110 total alleles; 0.03%; no homozygotes) and has not been reported in ClinVar. Of three bioinformatics tools queried, two predict that the substitution would be tolerated, while one predicts that it would be possibly damaging. The arginine residue at this position is highly evolutionarily conserved across all species assessed. We consider the clinical significance of c.203G>T to be uncertain at this time.

Breakthrough Genomics
Classification: Uncertain significance. Review status: criteria provided, single submitter. Criteria: ACMG Guidelines, 2015. Collection method: not provided. Allele origin: germline. Inheritance: Autosomal dominant inheritance. Affected: yes.

Zotz-Klimas Genetics Lab, MVZ Zotz Klimas
Classification: Uncertain significance for Bleeding disorder, platelet-type, 21. Last evaluated: 2023-11-24. Review status: no assertion criteria provided. Collection method: clinical testing. Allele origin: germline. Affected: yes. Not counted in ClinVar's aggregate classification.

Literature cited by the submitters: PubMed 32987389 (cited by 3 submitters).